The following is an entry in ClinVar:

NM_004336.5(BUB1):c.523A>C (p.Lys175Gln)

Gene: BUB1 (BUB1 mitotic checkpoint serine/threonine kinase; minus strand). Cytogenetic location: 2q13.
Variant type: single nucleotide variant.
Coding change: c.523A>C on transcript NM_004336.5 (MANE Select); coding-DNA position 523, A replaced by C.
Protein change: p.Lys175Gln; replaces lysine 175 with glutamine.
Molecular consequence: missense variant.
Genome position (GRCh38, 1-based): chr2:110,669,497, T>G on the plus strand (A>C on the coding strand, the complement: BUB1 is on the minus strand). VCF-style: chr2-110669497-T-G. GRCh37 (hg19) VCF-style: chr2-111427074-T-G.
Other names: c.463A>C, p.Lys155Gln (NM_001278616.2); c.523A>C, p.Lys175Gln (NM_001278617.2); short protein forms K175Q, K155Q.
Identifiers: ClinVar variation 1746272 (VCV001746272.4), dbSNP rs772559602, ClinGen allele CA1828328.

ClinVar aggregate classification (germline): Uncertain significance. Review status: criteria provided, multiple submitters, no conflicts (2 of 4 stars). 2 submissions from 2 submitters: Uncertain significance (2). Last evaluated 2026-06-01.

Allele frequency attached by ClinVar (database versions not stated): TOPMed below 0.00001; ExAC 0.00002.
gnomAD v4.1: 8 of 1,609,308 alleles (0.0005%); highest among the groups gnomAD compares: Non-Finnish European, 0.00068%; no homozygotes.

Submissions (2):

CeGaT Center for Human Genetics Tuebingen
Classification: Uncertain significance. Last evaluated: 2026-06-01. Review status: criteria provided, single submitter. Criteria: CeGaT Center For Human Genetics Tuebingen Variant Classification Criteria Version 2. Collection method: clinical testing. Allele origin: germline. Affected: yes. Observed: 1 variant allele.
Comment: BUB1: PM2, PM3:Supporting, BP4

Ambry Genetics
Classification: Uncertain significance. Last evaluated: 2024-03-16. Review status: criteria provided, single submitter. Criteria: Ambry Variant Classification Scheme 2023. Collection method: clinical testing. Allele origin: germline.
Comment: The p.K175Q variant (also known as c.523A>C), located in coding exon 6 of the BUB1 gene, results from an A to C substitution at nucleotide position 523. The lysine at codon 175 is replaced by glutamine, an amino acid with similar properties. This amino acid position is conserved. In addition, this alteration is predicted to be tolerated by in silico analysis. Since supporting evidence is limited at this time, the clinical significance of this alteration remains unclear.